The following is an entry in ClinVar:

ClinVar aggregate classification (germline): Pathogenic (1 of 4 stars; one submission).

Conditions:
Developmental and epileptic encephalopathy, 11 (DEE11). Also called: Early infantile epileptic encephalopathy 11. Identifiers: Orphanet 1934, MedGen C3150987, MONDO:0013388, OMIM 613721.
Seizures, benign familial infantile, 3 (BFIS3). Also called: CONVULSIONS, BENIGN FAMILIAL INFANTILE, 3; Familial neonatal seizures. Identifiers: Orphanet 140927, Orphanet 306, MedGen C1843140, MONDO:0011904, OMIM 607745.

Submission:

Labcorp Genetics (formerly Invitae), Labcorp
Classification: Pathogenic for Seizures, benign familial infantile, 3; Developmental and epileptic encephalopathy, 11. Last evaluated: 2017-05-25. Review status: criteria provided, single submitter. Criteria: Invitae Variant Classification Sherloc (09022015). Collection method: clinical testing. Allele origin: germline.
Comment: This variant has not been reported in the literature in individuals with a SCN2A-related disease. For these reasons, this variant has been classified as Pathogenic. Loss-of-function variants in SCN2A are known to be pathogenic (PMID: 23020937, 27824329). This variant is not present in population databases (ExAC no frequency). This sequence change creates a premature translational stop signal (p.Gln448*) in the SCN2A gene. It is expected to result in an absent or disrupted protein product.

Literature cited by the submitters: PubMed 23020937; PubMed 27824329.

NM_001040142.2(SCN2A):c.1342C>T (p.Gln448Ter)

Gene: SCN2A (sodium voltage-gated channel alpha subunit 2; plus strand). Cytogenetic location: 2q24.3.
Variant type: single nucleotide variant.
Coding change: c.1342C>T on transcript NM_001040142.2 (MANE Select); coding-DNA position 1342, C replaced by T.
Protein change: p.Gln448Ter; replaces glutamine 448 with a stop codon.
Molecular consequence: nonsense.
Genome position (GRCh38, 1-based): chr2:165,314,067, C>T. VCF-style: chr2-165314067-C-T. GRCh37 (hg19) VCF-style: chr2-166170577-C-T.
Other names: c.1342C>T, p.Gln448Ter (NM_001040143.2, NM_001371246.1, NM_001371247.1 and 1 more transcripts); short protein forms Q448*.
Identifiers: ClinVar variation 464901 (VCV000464901.7), dbSNP rs1553569054, ClinGen allele CA349022423.
Genomic context (GRCh38, chr2:165,314,067, plus strand): 5'-TATGAGGAACAGAATCAGGCCACATTGGAAGAGGCTGAACAGAAGGAAGCTGAATTTCAG[C>T]AGATGCTCGAACAGTTGAAAAAGCAACAAGAAGAAGCTCAGGTATAGTGAACAAGCATAC-3'